The following is an entry in ClinVar:

NM_006073.4(TRDN):c.1259A>G (p.Lys420Arg)

Gene: TRDN (triadin; minus strand). Cytogenetic location: 6q22.31.
Variant type: single nucleotide variant.
Coding change: c.1259A>G on transcript NM_006073.4 (MANE Select); coding-DNA position 1259, A replaced by G.
Protein change: p.Lys420Arg; replaces lysine 420 with arginine.
Molecular consequence: missense variant.
Genome position (GRCh38, 1-based): chr6:123,375,619, T>C on the plus strand (A>G on the coding strand, the complement: TRDN is on the minus strand). VCF-style: chr6-123375619-T-C. GRCh37 (hg19) VCF-style: chr6-123696764-T-C.
Other names: c.1259A>G (NM_006073.2); c.1262A>G, p.Lys421Arg (NM_001251987.2); c.1202A>G, p.Lys401Arg (NM_001407315.1); short protein forms K401R, K420R, K421R.
Identifiers: ClinVar variation 2413723 (VCV002413723.4), dbSNP rs1181198821, ClinGen allele CA365566460.

ClinVar aggregate classification (germline): Uncertain significance. Review status: criteria provided, multiple submitters, no conflicts (2 of 4 stars). 2 submissions from 2 submitters: Uncertain significance (2). Last evaluated 2024-11-23.

Conditions:
Cardiovascular phenotype. Identifiers: MedGen CN230736.
Catecholaminergic polymorphic ventricular tachycardia 1. Also called: VENTRICULAR TACHYCARDIA, CATECHOLAMINERGIC POLYMORPHIC, 1, WITH OR WITHOUT ATRIAL DYSFUNCTION AND/OR DILATED CARDIOMYOPATHY; VENTRICULAR TACHYCARDIA, STRESS-INDUCED POLYMORPHIC 1; RYR2-Related Catecholaminergic Polymorphic Ventricular Tachycardia. Identifiers: Orphanet 3286, MedGen C1631597, MONDO:0011484, OMIM 604772.

Allele frequency attached by ClinVar (database versions not stated): gnomAD 0.00001.

Submissions (2):

Ambry Genetics
Classification: Uncertain significance for Cardiovascular phenotype. Last evaluated: 2024-11-23. Review status: criteria provided, single submitter. Criteria: Ambry Variant Classification Scheme 2023. Collection method: clinical testing. Allele origin: germline.
Comment: The p.K420R variant (also known as c.1259A>G), located in coding exon 19 of the TRDN gene, results from an A to G substitution at nucleotide position 1259. The lysine at codon 420 is replaced by arginine, an amino acid with highly similar properties. This amino acid position is conserved. In addition, this alteration is predicted to be tolerated by in silico analysis. Based on the available evidence, the clinical significance of this variant remains unclear.

Labcorp Genetics (formerly Invitae), Labcorp
Classification: Uncertain significance for Catecholaminergic polymorphic ventricular tachycardia 1. Last evaluated: 2021-12-13. Review status: criteria provided, single submitter. Criteria: Invitae Variant Classification Sherloc (09022015). Collection method: clinical testing. Allele origin: germline.
Comment: This sequence change replaces lysine, which is basic and polar, with arginine, which is basic and polar, at codon 420 of the TRDN protein (p.Lys420Arg). This variant is present in population databases (no rsID available, gnomAD 0.007%). This variant has not been reported in the literature in individuals affected with TRDN-related conditions. Algorithms developed to predict the effect of missense changes on protein structure and function are either unavailable or do not agree on the potential impact of this missense change (SIFT: "Deleterious"; PolyPhen-2: "Possibly Damaging"; Align-GVGD: "Class C0"). In summary, the available evidence is currently insufficient to determine the role of this variant in disease. Therefore, it has been classified as a Variant of Uncertain Significance.